The following is an entry in ClinVar:

ClinVar aggregate classification (germline): Pathogenic (1 of 4 stars; one submission).

Submission:

Labcorp Genetics (formerly Invitae), Labcorp
Classification: Pathogenic. Last evaluated: 2023-11-14. Review status: criteria provided, single submitter. Criteria: Invitae Variant Classification Sherloc (09022015). Collection method: clinical testing. Allele origin: germline.
Comment: This sequence change creates a premature translational stop signal (p.Arg1028Profs*79) in the ZNF469 gene. While this is not anticipated to result in nonsense mediated decay, it is expected to disrupt the last 2898 amino acid(s) of the ZNF469 protein. This variant is not present in population databases (gnomAD no frequency). This variant has not been reported in the literature in individuals affected with ZNF469-related conditions. This variant disrupts a region of the ZNF469 protein in which other variant(s) (p.Pro3556Glnfs*136) have been determined to be pathogenic (PMID: 32671420). This suggests that this is a clinically significant region of the protein, and that variants that disrupt it are likely to be disease-causing. For these reasons, this variant has been classified as Pathogenic.

Literature cited by the submitters: PubMed 32671420.

NM_001367624.2(ZNF469):c.3082dup (p.Arg1028fs)

Gene: ZNF469 (zinc finger protein 469; plus strand). Cytogenetic location: 16q24.2.
Variant type: Duplication.
Coding change: c.3082dup on transcript NM_001367624.2 (MANE Select); coding-DNA position 3082, one base duplicated (C; older notation c.3082dupC).
Protein change: p.Arg1028fs; shifts the reading frame from arginine 1028.
Molecular consequence: frameshift variant.
Genome position (GRCh38, 1-based): chr16:88,430,552, C duplicated; the last of 2 consecutive C bases (chr16:88,430,551-88,430,552); duplicating either gives the same sequence. VCF-style (leftmost placement, unchanged base first): chr16-88430550-G-GC. GRCh37 (hg19) VCF-style: chr16-88496958-G-GC.
Other names: short protein forms R1028fs.
Identifiers: ClinVar variation 2695885 (VCV002695885.3), dbSNP rs2507581694, ClinGen allele CA2697555999.